The following is an entry in ClinVar:

ClinVar aggregate classification (germline): Likely benign. Review status: criteria provided, single submitter (1 of 4 stars). 2 submissions from 2 submitters: Likely benign (1). 1 of the submissions does not count toward it. Last evaluated 2026-01-16.

Conditions:
Meckel-Gruber syndrome. Also called: DYSENCEPHALIA SPLANCHNOCYSTICA; GRUBER SYNDROME; Dysencephalia splachnocystica. Identifiers: Orphanet 564, MedGen C0265215, MONDO:0018921.
Joubert syndrome. Also called: CEREBELLOPARENCHYMAL DISORDER IV; JOUBERT-BOLTSHAUSER SYNDROME; Familial aplasia of the vermis. Identifiers: Orphanet 475, MedGen C5979921, MONDO:0018772.
Nephronophthisis. Also called: Juvenile Nephronophthisis. Identifiers: Orphanet 655, MedGen C0687120, MONDO:0019005, HP:0000090.
CEP290-related disorder. Also called: CEP290-related condition; CEP290-related disorders. Identifiers: MedGen CN239314.

Allele frequency attached by ClinVar (database versions not stated): gnomAD exomes below 0.00001 and 0.00001; ExAC 0.00004; gnomAD 0.00006 and 0.00007; TOPMed 0.00008; ESP Exome Variant Server 0.00017.
gnomAD v4.1: 13 of 1,556,178 alleles (0.00084%); highest among the groups gnomAD compares: African/African-American, 0.016%; no homozygotes.

Submissions (2):

Labcorp Genetics (formerly Invitae), Labcorp
Classification: Likely benign for Joubert syndrome; Meckel-Gruber syndrome; Nephronophthisis. Last evaluated: 2026-01-16. Review status: criteria provided, single submitter. Criteria: Invitae Variant Classification Sherloc (09022015). Collection method: clinical testing. Allele origin: germline.

PreventionGenetics, part of Exact Sciences
Classification: Likely benign for CEP290-related condition. Last evaluated: 2020-10-05. Review status: no assertion criteria provided. Collection method: clinical testing. Allele origin: germline. Not counted in ClinVar's aggregate classification.
Comment: This variant is classified as likely benign based on ACMG/AMP sequence variant interpretation guidelines (Richards et al. 2015 PMID: 25741868, with internal and published modifications).

NM_025114.4(CEP290):c.3486C>T (p.Ala1162=)

Gene: CEP290 (centrosomal protein 290; minus strand). Cytogenetic location: 12q21.32.
Variant type: single nucleotide variant.
Coding change: c.3486C>T on transcript NM_025114.4 (MANE Select); coding-DNA position 3486, C replaced by T.
Protein change: p.Ala1162=; no amino-acid change (alanine 1162 retained).
Molecular consequence: synonymous variant.
Genome position (GRCh38, 1-based): chr12:88,090,815, G>A on the plus strand (C>T on the coding strand, the complement: CEP290 is on the minus strand). VCF-style: chr12-88090815-G-A. GRCh37 (hg19) VCF-style: chr12-88484592-G-A.
Identifiers: ClinVar variation 461781 (VCV000461781.13), dbSNP rs376583223, ClinGen allele CA6712130.
Genomic context (GRCh38, chr12:88,090,815, plus strand): 5'-GGACTCTACTTCCTTGTCCCTAGATTGTTGTTGTGCATTCAAAATTTCAACTTGTCTTCT[G>A]GCAATATCAGAAATCTCTCTCAGTCTAGGAAATGATAAGGTATTTCAGGAACAATTAAGT-3'
Protein context (NP_079390.3, residues 1152-1172): VSKLREISDI[Ala1162=]RRQVEILNAQ